The following is an entry in ClinVar:

ClinVar aggregate classification (germline): Likely pathogenic (1 of 4 stars; one submission).

Submission:

Labcorp Genetics (formerly Invitae), Labcorp
Classification: Likely pathogenic. Last evaluated: 2021-12-23. Review status: criteria provided, single submitter. Criteria: Invitae Variant Classification Sherloc (09022015). Collection method: clinical testing. Allele origin: germline.
Comment: This sequence change affects an acceptor splice site in intron 62 of the DNAH9 gene. It is expected to disrupt RNA splicing. Variants that disrupt the donor or acceptor splice site typically lead to a loss of protein function (PMID: 16199547), and loss-of-function variants in DNAH9 are known to be pathogenic (PMID: 30471718). This variant is not present in population databases (gnomAD no frequency). This variant has not been reported in the literature in individuals affected with DNAH9-related conditions. Algorithms developed to predict the effect of sequence changes on RNA splicing suggest that this variant may disrupt the consensus splice site. In summary, the currently available evidence indicates that the variant is pathogenic, but additional data are needed to prove that conclusively. Therefore, this variant has been classified as Likely Pathogenic.

Literature cited by the submitters: PubMed 16199547; PubMed 30471718.

NM_001372.4(DNAH9):c.11878-2A>G

Gene: DNAH9 (dynein axonemal heavy chain 9; plus strand). Cytogenetic location: 17p12.
Variant type: single nucleotide variant.
Coding change: c.11878-2A>G on transcript NM_001372.4 (MANE Select); the canonical splice acceptor site of the intron before coding-DNA position 11878, A replaced by G.
Molecular consequence: splice acceptor variant.
Genome position (GRCh38, 1-based): chr17:11,929,864, A>G. VCF-style: chr17-11929864-A-G. GRCh37 (hg19) VCF-style: chr17-11833181-A-G.
Other names: c.814-2A>G (NM_004662.2).
Identifiers: ClinVar variation 2054243 (VCV002054243.4), dbSNP rs2544892498, ClinGen allele CA398210487.